The following is an entry in ClinVar:

NM_000030.3(AGXT):c.244G>A (p.Gly82Arg)

Gene: AGXT (alanine--glyoxylate aminotransferase; plus strand). Cytogenetic location: 2q37.3.
Variant type: single nucleotide variant.
Coding change: c.244G>A on transcript NM_000030.3 (MANE Select); coding-DNA position 244, G replaced by A.
Protein change: p.Gly82Arg; replaces glycine 82 with arginine.
Molecular consequence: missense variant.
Genome position (GRCh38, 1-based): chr2:240,869,248, G>A. VCF-style: chr2-240869248-G-A. GRCh37 (hg19) VCF-style: chr2-241808665-G-A.
Other names: short protein forms G82R.
Identifiers: ClinVar variation 2681157 (VCV002681157.2), dbSNP rs180177185, ClinGen allele CA351313532.

ClinVar aggregate classification (germline): Pathogenic/Likely pathogenic. Review status: criteria provided, multiple submitters, no conflicts (2 of 4 stars). 2 submissions from 2 submitters: Pathogenic (1); Likely pathogenic (1). Last evaluated 2025-05-29.

Conditions:
Primary hyperoxaluria. Identifiers: Orphanet 416, MedGen C0020501, MONDO:0002474.
Primary hyperoxaluria, type I (HP1). Also called: OXALOSIS I; Primary hyperoxaluria type 1; GLYCOLIC ACIDURIA; HEPATIC AGT DEFICIENCY. Identifiers: Orphanet 416, Orphanet 93598, MedGen C0268164, MONDO:0009823, OMIM 259900. Disease mechanism: loss of function.

Submissions (2):

Women's Health and Genetics/Laboratory Corporation of America, LabCorp
Classification: Pathogenic for Primary hyperoxaluria. Last evaluated: 2025-05-29. Review status: criteria provided, single submitter. Criteria: LabCorp Variant Classification Summary - May 2015. Collection method: clinical testing. Allele origin: germline.
Comment: Variant summary: AGXT c.244G>A (p.Gly82Arg) results in a non-conservative amino acid change in the encoded protein sequence. Algorithms developed to predict the effect of missense changes on protein structure and function all suggest that this variant is likely to be disruptive. The variant was absent in 251220 control chromosomes (gnomAD). c.244G>A has been observed in several homozygous individuals affected with Primary Hyperoxaluria Type 1 (van Woerden_2004). These data indicate that the variant is very likely to be associated with disease. A different variant affecting the same codon has been classified as pathogenic by our lab (c.245G>A, p.Gly82Glu), supporting the critical relevance of codon 82 to AGXT protein function. The following publication has been ascertained in the context of this evaluation (PMID: 15253729). ClinVar contains an entry for this variant (Variation ID: 2681157). Based on the evidence outlined above, the variant was classified as pathogenic.

Clinical Biochemistry Laboratory, Health Services Laboratory
Classification: Likely pathogenic for Primary hyperoxaluria, type I. Last evaluated: 2023-10-27. Review status: criteria provided, single submitter. Criteria: ACMG Guidelines, 2015. Collection method: curation. Allele origin: germline.
Comment: ACMG:PS1 PM2 PP3

Literature cited by the submitters: PubMed 15253729 (cited by Women's Health and Genetics/Laboratory Corporation of America, LabCorp).